The following is an entry in ClinVar:

ClinVar aggregate classification (germline): Likely benign. Review status: criteria provided, multiple submitters, no conflicts (2 of 4 stars). 2 submissions from 2 submitters: Likely benign (2). Last evaluated 2024-12-02.

Conditions:
Hereditary nonpolyposis colorectal neoplasms. Identifiers: MedGen C0009405, MeSH D003123.

Submissions (2):

Labcorp Genetics (formerly Invitae), Labcorp
Classification: Likely benign for Hereditary nonpolyposis colorectal neoplasms. Last evaluated: 2024-12-02. Review status: criteria provided, single submitter. Criteria: Invitae Variant Classification Sherloc (09022015). Collection method: clinical testing. Allele origin: germline.

GeneDx
Classification: Likely benign. Last evaluated: 2017-10-27. Review status: criteria provided, single submitter. Criteria: GeneDx Variant Classification (06012015). Collection method: clinical testing. Allele origin: germline. Affected: yes.
Comment: This variant is considered likely benign or benign based on one or more of the following criteria: it is a conservative change, it occurs at a poorly conserved position in the protein, it is predicted to be benign by multiple in silico algorithms, and/or has population frequency not consistent with disease.

NM_000535.7(PMS2):c.2445+14G>A

Gene: PMS2 (PMS1 homolog 2, mismatch repair system component; minus strand). Cytogenetic location: 7p22.1.
Variant type: single nucleotide variant.
Coding change: c.2445+14G>A on transcript NM_000535.7 (MANE Select); 14 bases into the intron after coding-DNA position 2445, G replaced by A.
Molecular consequence: intron variant.
Genome position (GRCh38, 1-based): chr7:5,977,574, C>T on the plus strand (G>A on the coding strand, the complement: PMS2 is on the minus strand). VCF-style: chr7-5977574-C-T. GRCh37 (hg19) VCF-style: chr7-6017205-C-T.
Other names: c.2127+14G>A (NM_001322008.2, NM_001322007.2); c.1884+14G>A (NM_001322010.2); c.2040+14G>A (NM_001322004.2, NM_001322003.2, NM_001322005.2); c.1872+14G>A (NM_001322013.2); c.1512+14G>A (NM_001322012.2, NM_001322011.2); c.2136+14G>A (NM_001322015.2); c.2289+14G>A (NM_001322006.2); c.2478+14G>A (NM_001322014.2); and 1 more.
Identifiers: ClinVar variation 512942 (VCV000512942.8), dbSNP rs913201632, ClinGen allele CA658796881.